The following is an entry in ClinVar:

ClinVar aggregate classification (germline): Likely benign. Review status: criteria provided, multiple submitters, no conflicts (2 of 4 stars). 2 submissions from 2 submitters: Likely benign (2). Last evaluated 2018-06-19.

Allele frequency attached by ClinVar (database versions not stated): 1000 Genomes Project 0.00300; gnomAD 0.00373 and 0.00404; 1000 Genomes Project 30x 0.00390; TOPMed 0.00403.
gnomAD v4.1: 557 of 151,734 alleles (0.37%); highest among the groups gnomAD compares: African/African-American, 1.3%; 4 homozygotes.

Submissions (2):

GeneDx
Classification: Likely benign. Last evaluated: 2018-06-19. Review status: criteria provided, single submitter. Criteria: GeneDx Variant Classification (06012015). Collection method: clinical testing. Allele origin: germline. Affected: yes.
Comment: This variant is considered likely benign or benign based on one or more of the following criteria: it is a conservative change, it occurs at a poorly conserved position in the protein, it is predicted to be benign by multiple in silico algorithms, and/or has population frequency not consistent with disease.

Breakthrough Genomics
Classification: Likely benign. Review status: criteria provided, single submitter. Criteria: ACMG Guidelines, 2015. Collection method: not provided. Allele origin: germline. Inheritance: Autosomal recessive inheritance. Affected: yes.

NM_004415.4(DSP):c.778-224C>T

Gene: DSP (desmoplakin; plus strand). Cytogenetic location: 6p24.3.
Variant type: single nucleotide variant.
Coding change: c.778-224C>T on transcript NM_004415.4 (MANE Select); 224 bases into the intron before coding-DNA position 778, C replaced by T.
Molecular consequence: intron variant.
Genome position (GRCh38, 1-based): chr6:7,565,135, C>T. VCF-style: chr6-7565135-C-T. GRCh37 (hg19) VCF-style: chr6-7565368-C-T.
Other names: c.778-224C>T (NM_001319034.2, NM_001008844.3).
Identifiers: ClinVar variation 679809 (VCV000679809.2), dbSNP rs190692676, ClinGen allele CA133954547.